The following is an entry in ClinVar:

ClinVar aggregate classification (germline): Uncertain significance (1 of 4 stars; one submission).

Conditions:
Catecholaminergic polymorphic ventricular tachycardia 1. Also called: VENTRICULAR TACHYCARDIA, CATECHOLAMINERGIC POLYMORPHIC, 1, WITH OR WITHOUT ATRIAL DYSFUNCTION AND/OR DILATED CARDIOMYOPATHY; RYR2-Related Catecholaminergic Polymorphic Ventricular Tachycardia; VENTRICULAR TACHYCARDIA, STRESS-INDUCED POLYMORPHIC 1. Identifiers: Orphanet 3286, MedGen C1631597, MONDO:0011484, OMIM 604772.

Submission:

Labcorp Genetics (formerly Invitae), Labcorp
Classification: Uncertain significance for Catecholaminergic polymorphic ventricular tachycardia 1. Last evaluated: 2017-09-03. Review status: criteria provided, single submitter. Criteria: Invitae Variant Classification Sherloc (09022015). Collection method: clinical testing. Allele origin: germline.
Comment: This variant occurs within one of the three regions of the RYR2 gene (N-terminal domain, central domain, or channel region) where other pathogenic variants have been reported to cluster (PMID: 19926015) In summary, the available evidence is currently insufficient to determine the role of this variant in disease. Therefore, it has been classified as a Variant of Uncertain Significance. Algorithms developed to predict the effect of missense changes on protein structure and function do not agree on the potential impact of this missense change (SIFT: "Deleterious"; PolyPhen-2: "Possibly Damaging"; Align-GVGD: "Class C0"). This variant has not been reported in the literature in individuals with RYR2-related disease. This variant is not present in population databases (ExAC no frequency). This sequence change replaces leucine with proline at codon 4698 of the RYR2 protein (p.Leu4698Pro). The leucine residue is highly conserved and there is a moderate physicochemical difference between leucine and proline.

Literature cited by the submitters: PubMed 19926015.

NM_001035.3(RYR2):c.14093T>C (p.Leu4698Pro)

Gene: RYR2 (ryanodine receptor 2; plus strand). Cytogenetic location: 1q43.
Variant type: single nucleotide variant.
Coding change: c.14093T>C on transcript NM_001035.3 (MANE Select); coding-DNA position 14093, T replaced by C.
Protein change: p.Leu4698Pro; replaces leucine 4698 with proline.
Molecular consequence: missense variant.
Genome position (GRCh38, 1-based): chr1:237,801,858, T>C. VCF-style: chr1-237801858-T-C. GRCh37 (hg19) VCF-style: chr1-237965158-T-C.
Other names: c.14093T>C, p.Leu4698Pro (LRG_402t1); short protein forms L4698P.
Identifiers: ClinVar variation 532347 (VCV000532347.10), dbSNP rs1553332764, ClinGen allele CA345421023.